The following continues an entry in ClinVar:

NM_002693.3(POLG):c.1156C>T (p.Arg386Cys)

Gene: POLG. ClinVar aggregate classification (germline): Conflicting classifications of pathogenicity. Pathogenic (1); Likely pathogenic (5); Uncertain significance (9).

Submissions 10 to 16 of 16:

Victorian Clinical Genetics Services, Murdoch Childrens Research Institute
Classification: Uncertain significance for Mitochondrial DNA depletion syndrome 4b. Last evaluated: 2020-10-19. Review status: criteria provided, single submitter. Criteria: ACMG Guidelines, 2015. Collection method: clinical testing. Allele origin: germline. Affected: yes.
Comment: Based on the classification scheme VCGS_Germline_v1.3.4, this variant is classified as 3A-VUS. Following criteria are met: 0102 - Loss of function is a known mechanism of disease in this gene and is associated with POLG-related disorders. (I) 0108 - This gene is associated with both recessive and dominant disease (OMIM). (I) 0112 - The condition associated with this gene has incomplete penetrance (OMIM). (I) 0200 - Variant is predicted to result in a missense amino acid change from arginine to cysteine. (I) 0251 - This variant is heterozygous. (I) 0304 - Variant is present in gnomAD <0.01 for a recessive condition (9 heterozygotes, 0 homozygotes). (P) 0309 - An alternative amino acid change at the same position has been observed in gnomAD (1 heterozygotes, 0 homozygotes). (I) 0501 - Missense variant consistently predicted to be damaging by multiple in silico tools or highly conserved with a major amino acid change. (SP) 0600 - Variant is located in an annotated domain or motif DNA mitochondrial polymerase exonuclease domain; PDB). (I) 0704 - Another missense variant comparable to the one identified in this case has limited previous evidence for pathogenicity. A variant in the same codon resulting in a change to histidine has been reported in patients with Alpers syndrome as VUS (ClinVar, PMID: 20883824). Another change to proline has also been reported in patient with early onset epilepsy (PMID: 31164858). (P). (SP) 0808 - Previous reports of pathogenicity for this variant are conflicting. The variant has been previously reported as VUS (4x), likely pathogenic (1x) and pathogenic (1x) (ClinVar, PMID: 20837862). (I) 0905 - No published segregation evidence has been identified for this variant. (I) 1007 - No published functional evidence has been identified for this variant. (I) 1201 - Heterozygous variant detected in trans with a second pathogenic heterozygous variant (p.P587L/p.T25aI) in a recessive disease. (I) Legend: (SP) - Supporting pathogenic, (I) - Information, (SB) - Supporting benign

Baylor Genetics
Classification: Uncertain significance for Progressive sclerosing poliodystrophy. Last evaluated: 2020-06-20. Review status: criteria provided, single submitter. Criteria: ACMG Guidelines, 2015. Collection method: clinical testing. Allele origin: unknown. Affected: yes.
Comment: This variant was determined to be of uncertain significance according to ACMG Guidelines, 2015 [PMID:25741868].

Wong Mito Lab, Molecular and Human Genetics, Baylor College of Medicine
Classification: Pathogenic for Progressive sclerosing poliodystrophy. Last evaluated: 2018-10-01. Review status: criteria provided, single submitter. Criteria: ACMG Guidelines, 2015. Collection method: clinical testing. Allele origin: germline.
Comment: The NM_002693.2:c.1156C>T (NP_002684.1:p.Arg386Cys) [GRCH38: NC_000015.10:g.89328699G>A] variant in POLG gene is interpretated to be a Pathogenic based on ACMG guidelines (PMID: 25741868). This variant has been reported in PMID:20837862 . This variant meets the following evidence codes reported in the ACMG-guideline. PS3:Well established functional studies show a deleterious effect on POLG. PM2:This variant is absent in key population databases. PM3:Detected in trans with a pathogenic variant for Mitochondrial DNA depletion syndrome 4A (Alpers type) which is a recessive disorder. PP1:This variant is co-segregated with Mitochondrial DNA depletion syndrome 4A (Alpers type) in multiple affected family members. PP2:This is a missense variant in POLG with a low rate of benign and high rate of pathogenic missense variations. PP4:Patient's phenotype or family history is highly specific for POLG. Based on the evidence criteria codes applied, the variant is suggested to be Pathogenic.

Eurofins Ntd Llc (ga)
Classification: Uncertain significance. Last evaluated: 2018-01-29. Review status: criteria provided, single submitter. Criteria: EGL Classification Definitions 2015. Collection method: clinical testing. Allele origin: germline. Observed: 3 variant alleles, 3 heterozygotes.

Mayo Clinic Laboratories, Mayo Clinic
Classification: Uncertain significance for Progressive sclerosing poliodystrophy; Mitochondrial DNA depletion syndrome 4b; Sensory ataxic neuropathy, dysarthria, and ophthalmoparesis. Last evaluated: 2017-06-19. Review status: criteria provided, single submitter. Criteria: ACMG Guidelines, 2015. Collection method: clinical testing. Allele origin: paternal.

Center for Pediatric Genomic Medicine, Children's Mercy Hospital and Clinics
Classification: Uncertain significance. Last evaluated: 2017-04-11. Review status: criteria provided, single submitter. Criteria: ACMG Guidelines, 2015. Collection method: clinical testing. Allele origin: germline.

PreventionGenetics, part of Exact Sciences
Classification: Likely pathogenic for POLG-related condition. Last evaluated: 2024-04-09. Review status: no assertion criteria provided. Collection method: clinical testing. Allele origin: germline. Not counted in ClinVar's aggregate classification.
Comment: The POLG c.1156C>T variant is predicted to result in the amino acid substitution p.Arg386Cys. This variant was previously reported in the compound heterozygous state with a pathogenic variant in a patient with isolated distal myopathy of the upper limbs and the variant was segregating with the disease in the family (Giordano et al. 2010. PubMed ID: 20837862). This variant is reported in 0.013% of alleles in individuals of South Asian descent in gnomAD. Alternative variants at the same codon p.Arg386Pro and p.Arg386His were observed in POLG related disorders (Demos et al. 2019. PubMed ID: 31164858, Table 2; Baruffini et al. 2010. PubMed ID: 20883824) and p.Arg386His variant was confirmed by functional study in yeast to be damaging (Baruffini et al. 2010. PubMed ID: 20883824). In summary, we interpret the c.Arg386Cys variant as likely pathogenic.

Literature cited by the submitters: PubMed 34362006 (cited by Women's Health and Genetics/Laboratory Corporation of America, LabCorp); PubMed 20837862 (cited by 5 submitters); PubMed 20883824 (cited by Victorian Clinical Genetics Services, Murdoch Childrens Research Institute); PubMed 31164858 (cited by Victorian Clinical Genetics Services, Murdoch Childrens Research Institute).